The following is an entry in ClinVar:

ClinVar aggregate classification (germline): Likely benign. Review status: criteria provided, multiple submitters, no conflicts (2 of 4 stars). 4 submissions from 4 submitters: Likely benign (3). 1 of the submissions does not count toward it. Last evaluated 2025-02-01.

Conditions:
IMPDH1-related disorder. Also called: IMPDH1-related disorders; IMPDH1-related condition.

Allele frequency attached by ClinVar (database versions not stated): 1000 Genomes Project 0.00060; 1000 Genomes Project 30x 0.00062; TOPMed 0.00153; gnomAD 0.00169 and 0.00188; gnomAD exomes 0.00298; ESP Exome Variant Server 0.00372.

Submissions (4):

CeGaT Center for Human Genetics Tuebingen
Classification: Likely benign. Last evaluated: 2025-02-01. Review status: criteria provided, single submitter. Criteria: CeGaT Center For Human Genetics Tuebingen Variant Classification Criteria Version 2. Collection method: clinical testing. Allele origin: germline. Affected: yes. Observed: 1 variant allele.
Comment: IMPDH1: BP4, BS1

Blueprint Genetics
Classification: Likely benign. Last evaluated: 2023-02-06. Review status: criteria provided, single submitter. Criteria: ACMG Guidelines, 2015. Collection method: clinical testing. Allele origin: germline.

GeneDx
Classification: Likely benign. Last evaluated: 2019-07-23. Review status: criteria provided, single submitter. Criteria: GeneDx Variant Classification Process June 2021. Collection method: clinical testing. Allele origin: germline. Affected: yes.
Comment: Nucleotide substitution has no predicted effect on splicing and is not conserved across species; This variant is associated with the following publications: (PMID: 27032803, 20718729)

PreventionGenetics, part of Exact Sciences
Classification: Likely benign for IMPDH1-related condition. Last evaluated: 2019-06-13. Review status: no assertion criteria provided. Collection method: clinical testing. Allele origin: germline. Not counted in ClinVar's aggregate classification.
Comment: This variant is classified as likely benign based on ACMG/AMP sequence variant interpretation guidelines (Richards et al. 2015 PMID: 25741868, with internal and published modifications).

NM_000883.4(IMPDH1):c.402+57G>A

Gene: IMPDH1 (inosine monophosphate dehydrogenase 1; minus strand). Cytogenetic location: 7q32.1.
Variant type: single nucleotide variant.
Coding change: c.402+57G>A on transcript NM_000883.4 (MANE Select); 57 bases into the intron after coding-DNA position 402, G replaced by A.
Molecular consequence: intron variant.
Genome position (GRCh38, 1-based): chr7:128,403,649, C>T on the plus strand (G>A on the coding strand, the complement: IMPDH1 is on the minus strand). VCF-style: chr7-128403649-C-T. GRCh37 (hg19) VCF-style: chr7-128043703-C-T.
Other names: c.402+57G>A (NM_000883.3); c.195+57G>A (NM_001304521.2); c.294+57G>A (NM_183243.3); c.372+57G>A (NM_001102605.2); c.303+57G>A (NM_001142576.2); c.147+57G>A (NM_001142575.2, NM_001142574.2, NM_001142573.2).
Identifiers: ClinVar variation 1198217 (VCV001198217.18), dbSNP rs72624951, ClinGen allele CA166132286.